The following is an entry in ClinVar:

NM_003280.3(TNNC1):c.332A>G (p.Tyr111Cys)

Gene: TNNC1 (troponin C1, slow skeletal and cardiac type; minus strand). Cytogenetic location: 3p21.1.
Variant type: single nucleotide variant.
Coding change: c.332A>G on transcript NM_003280.3 (MANE Select); coding-DNA position 332, A replaced by G.
Protein change: p.Tyr111Cys; replaces tyrosine 111 with cysteine.
Molecular consequence: missense variant.
Genome position (GRCh38, 1-based): chr3:52,451,513, T>C on the plus strand (A>G on the coding strand, the complement: TNNC1 is on the minus strand). VCF-style: chr3-52451513-T-C. GRCh37 (hg19) VCF-style: chr3-52485529-T-C.
Other names: short protein forms Y111C.
Identifiers: ClinVar variation 3752080 (VCV003752080.2).

ClinVar aggregate classification (germline): Uncertain significance (1 of 4 stars; one submission).

Conditions:
Dilated cardiomyopathy 1Z (CMD1Z). Identifiers: Orphanet 154, MedGen C2678475, MONDO:0012745, OMIM 611879.
Hypertrophic cardiomyopathy 13. Also called: TNNC1-Related Familial Hypertrophic Cardiomyopathy. Identifiers: MedGen C2750472, MONDO:0013195, OMIM 613243.

Submission:

Labcorp Genetics (formerly Invitae), Labcorp
Classification: Uncertain significance for Hypertrophic cardiomyopathy 13; Dilated cardiomyopathy 1Z. Last evaluated: 2025-02-27. Review status: criteria provided, single submitter. Criteria: Invitae Variant Classification Sherloc (09022015). Collection method: clinical testing. Allele origin: germline.
Comment: This sequence change replaces tyrosine, which is neutral and polar, with cysteine, which is neutral and slightly polar, at codon 111 of the TNNC1 protein (p.Tyr111Cys). This variant is not present in population databases (gnomAD no frequency). This variant has not been reported in the literature in individuals affected with TNNC1-related conditions. An algorithm developed to predict the effect of missense changes on protein structure and function (PolyPhen-2) suggests that this variant is likely to be disruptive. In summary, the available evidence is currently insufficient to determine the role of this variant in disease. Therefore, it has been classified as a Variant of Uncertain Significance.